The following is an entry in ClinVar:

ClinVar aggregate classification (germline): Uncertain significance (1 of 4 stars; one submission).

Conditions:
Polyglandular autoimmune syndrome, type 1 (APS1). Also called: AUTOIMMUNE POLYENDOCRINE SYNDROME, TYPE I, WITH OR WITHOUT REVERSIBLE METAPHYSEAL DYSPLASIA; APS I; Autoimmune polyendocrine syndrome type 1; Autoimmune polyendocrinopathy syndrome, type I; Whitaker syndrome; HYPOADRENOCORTICISM WITH HYPOPARATHYROIDISM AND SUPERFICIAL MONILIASIS. Identifiers: Orphanet 3453, MedGen C0085859, MONDO:0009411, OMIM 240300.

Submission:

Labcorp Genetics (formerly Invitae), Labcorp
Classification: Uncertain significance for Polyglandular autoimmune syndrome, type 1. Last evaluated: 2023-01-16. Review status: criteria provided, single submitter. Criteria: Invitae Variant Classification Sherloc (09022015). Collection method: clinical testing. Allele origin: germline.
Comment: This missense change has been observed in individual(s) with AIRE- related conditions (PMID: 35521792). In summary, the available evidence is currently insufficient to determine the role of this variant in disease. Therefore, it has been classified as a Variant of Uncertain Significance. Advanced modeling of protein sequence and biophysical properties (such as structural, functional, and spatial information, amino acid conservation, physicochemical variation, residue mobility, and thermodynamic stability) performed at Invitae indicates that this missense variant is expected to disrupt AIRE protein function. This variant is not present in population databases (gnomAD no frequency). This sequence change replaces histidine, which is basic and polar, with proline, which is neutral and non-polar, at codon 14 of the AIRE protein (p.His14Pro).

Literature cited by the submitters: PubMed 35521792.

NM_000383.4(AIRE):c.41A>C (p.His14Pro)

Gene: AIRE (autoimmune regulator; plus strand). Cytogenetic location: 21q22.3.
Variant type: single nucleotide variant.
Coding change: c.41A>C on transcript NM_000383.4 (MANE Select); coding-DNA position 41, A replaced by C.
Protein change: p.His14Pro; replaces histidine 14 with proline.
Molecular consequence: missense variant.
Genome position (GRCh38, 1-based): chr21:44,286,047, A>C. VCF-style: chr21-44286047-A-C. GRCh37 (hg19) VCF-style: chr21-45705930-A-C.
Other names: short protein forms H14P.
Identifiers: ClinVar variation 2808045 (VCV002808045.3), dbSNP rs2517875582, ClinGen allele CA410422987.